The following is an entry in ClinVar:

ClinVar aggregate classification (germline): Uncertain significance. Review status: criteria provided, multiple submitters, no conflicts (2 of 4 stars). 3 submissions from 3 submitters: Uncertain significance (3). Last evaluated 2025-12-30.

Conditions:
Inborn genetic diseases. Identifiers: MedGen C0950123, MeSH D030342.
KBG syndrome (KBGS). Also called: ANKRD11-Related KBG Syndrome. Identifiers: Orphanet 2332, MedGen C0220687, MONDO:0007846, OMIM 148050.

Submissions (3):

Labcorp Genetics (formerly Invitae), Labcorp
Classification: Uncertain significance for KBG syndrome. Last evaluated: 2025-12-30. Review status: criteria provided, single submitter. Criteria: Invitae Variant Classification Sherloc (09022015). Collection method: clinical testing. Allele origin: germline.
Comment: This variant, c.7198_7200dup, results in the insertion of 1 amino acid(s) of the ANKRD11 protein (p.Leu2400dup), but otherwise preserves the integrity of the reading frame. This variant is present in population databases (no rsID available, gnomAD 0.02%). This variant has not been reported in the literature in individuals affected with ANKRD11-related conditions. ClinVar contains an entry for this variant (Variation ID: 588960). In summary, the available evidence is currently insufficient to determine the role of this variant in disease. Therefore, it has been classified as a Variant of Uncertain Significance.

GeneDx
Classification: Uncertain significance. Last evaluated: 2023-12-11. Review status: criteria provided, single submitter. Criteria: GeneDx Variant Classification Process June 2021. Collection method: clinical testing. Allele origin: germline. Affected: yes.
Comment: In-frame insertion of 1 amino acid in a non-repeat region; Has not been previously published as pathogenic or benign to our knowledge

Ambry Genetics
Classification: Uncertain significance for Inborn genetic diseases. Last evaluated: 2017-04-14. Review status: criteria provided, single submitter. Criteria: Ambry Variant Classification Scheme 2023. Collection method: clinical testing. Allele origin: germline.
Comment: The c.7198_7200dupCTG variant (also known as p.L2400dup), located in coding exon 7 of the ANKRD11 gene, results from an in-frame duplication of CTG at nucleotide positions 7198 to 7200. This results in the duplication of an extra residue between codons 2400 and 2401. This variant did not co-segregate with disease in four individuals tested in our laboratory. Since supporting evidence is limited at this time, the clinical significance of this alteration remains unclear.

NM_013275.6(ANKRD11):c.7198_7200dup (p.Leu2400dup)

Gene: ANKRD11 (ankyrin repeat domain 11; minus strand). Cytogenetic location: 16q24.3.
Variant type: Duplication.
Coding change: c.7198_7200dup on transcript NM_013275.6 (MANE Select); coding-DNA positions 7198 to 7200, 3 bases duplicated (CTG; older notation c.7198_7200dupCTG).
Protein change: p.Leu2400dup; duplicates leucine 2400.
Molecular consequence: inframe insertion.
Genome position (GRCh38, 1-based): chr16:89,279,342-89,279,344, CAG duplicated on the plus strand (CTG on the coding strand, the reverse complement: ANKRD11 is on the minus strand); duplicating any 3 consecutive bases within chr16:89,279,342-89,279,345 gives the same sequence; the c. name uses the placement nearest the transcript's 3' end. VCF-style (leftmost placement, unchanged base first): chr16-89279341-T-TCAG. GRCh37 (hg19) VCF-style: chr16-89345749-T-TCAG.
Other names: c.7198_7200dup, p.Leu2400dup (NM_001256182.2, NM_001256183.2).
Identifiers: ClinVar variation 588960 (VCV000588960.16), dbSNP rs1371024836, ClinGen allele CA624452345.